The following is an entry in ClinVar:

ClinVar aggregate classification (germline): Uncertain significance. Review status: criteria provided, multiple submitters, no conflicts (2 of 4 stars). 2 submissions from 2 submitters: Uncertain significance (2). Last evaluated 2024-09-20.

Conditions:
Inborn genetic diseases. Identifiers: MedGen C0950123, MeSH D030342.
Brody myopathy. Also called: BRODY DISEASE. Identifiers: Orphanet 53347, MedGen C1832918, MONDO:0010977, OMIM 601003.

gnomAD v4.1: 1 of 1,614,196 alleles (0.000062%); highest among the groups gnomAD compares: Admixed American, 0.0017%; no homozygotes.

Submissions (2):

Ambry Genetics
Classification: Uncertain significance for Inborn genetic diseases. Last evaluated: 2024-09-20. Review status: criteria provided, single submitter. Criteria: Ambry Variant Classification Scheme 2023. Collection method: clinical testing. Allele origin: germline.

Labcorp Genetics (formerly Invitae), Labcorp
Classification: Uncertain significance for Brody myopathy. Last evaluated: 2022-07-18. Review status: criteria provided, single submitter. Criteria: Invitae Variant Classification Sherloc (09022015). Collection method: clinical testing. Allele origin: germline.
Comment: In summary, the available evidence is currently insufficient to determine the role of this variant in disease. Therefore, it has been classified as a Variant of Uncertain Significance. Algorithms developed to predict the effect of sequence changes on RNA splicing suggest that this variant may create or strengthen a splice site. Algorithms developed to predict the effect of missense changes on protein structure and function are either unavailable or do not agree on the potential impact of this missense change (SIFT: "Tolerated"; PolyPhen-2: "Probably Damaging"; Align-GVGD: "Class C0"). ClinVar contains an entry for this variant (Variation ID: 963307). This variant has not been reported in the literature in individuals affected with ATP2A1-related conditions. This variant is present in population databases (no rsID available, gnomAD 0.003%). This sequence change replaces proline, which is neutral and non-polar, with glutamine, which is neutral and polar, at codon 571 of the ATP2A1 protein (p.Pro571Gln).

NM_004320.6(ATP2A1):c.1712C>A (p.Pro571Gln)

Gene: ATP2A1 (ATPase sarcoplasmic/endoplasmic reticulum Ca2+ transporting 1; plus strand). Cytogenetic location: 16p11.2.
Variant type: single nucleotide variant.
Coding change: c.1712C>A on transcript NM_004320.6 (MANE Select); coding-DNA position 1712, C replaced by A.
Protein change: p.Pro571Gln; replaces proline 571 with glutamine.
Molecular consequence: missense variant.
Genome position (GRCh38, 1-based): chr16:28,898,399, C>A. VCF-style: chr16-28898399-C-A. GRCh37 (hg19) VCF-style: chr16-28909720-C-A.
Other names: c.1337C>A, p.Pro446Gln (NM_001286075.2); c.1712C>A, p.Pro571Gln (NM_173201.5); short protein forms P446Q, P571Q.
Identifiers: ClinVar variation 963307 (VCV000963307.11), dbSNP rs567407505, ClinGen allele CA395409963.
Genomic context (GRCh38, chr16:28,898,399, plus strand): 5'-AGTGGGGCACTGGCCGGGACACCCTGCGCTGCTTGGCCCTGGCCACCCGGGACACCCCCC[C>A]GAAGCGAGAGGAAATGGTCCTGGATGACTCTGCCAGGTTCCTGGAGTATGAGGTAAGCAG-3'
Protein context (NP_004311.1, residues 561-581): CLALATRDTP[Pro571Gln]KREEMVLDDS